The following is an entry in ClinVar:

NM_006059.4(LAMC3):c.1696C>T (p.Pro566Ser)

Genes: LAMC3 (laminin subunit gamma 3; plus strand), LOC126860777 (BRD4-independent group 4 enhancer GRCh37_chr9:133927058-133928257; plus strand). Cytogenetic location: 9q34.12.
Variant type: single nucleotide variant.
Coding change: c.1696C>T on transcript NM_006059.4 (MANE Select); coding-DNA position 1696, C replaced by T.
Protein change: p.Pro566Ser; replaces proline 566 with serine.
Molecular consequence: missense variant.
Genome position (GRCh38, 1-based): chr9:131,052,556, C>T. VCF-style: chr9-131052556-C-T. GRCh37 (hg19) VCF-style: chr9-133927943-C-T.
Other names: short protein forms P566S.
Identifiers: ClinVar variation 435735 (VCV000435735.33), dbSNP rs138637827, ClinGen allele CA5287174.

ClinVar aggregate classification (germline): Uncertain significance. Review status: criteria provided, multiple submitters, no conflicts (2 of 4 stars). 3 submissions from 3 submitters: Uncertain significance (3). Last evaluated 2026-02-02.

Allele frequency attached by ClinVar (database versions not stated): gnomAD 0.00005 and 0.00006; TOPMed 0.00005; ESP Exome Variant Server 0.00015.
gnomAD v4.1: 107 of 1,614,050 alleles (0.0066%); highest among the groups gnomAD compares: Middle Eastern, 0.049%; no homozygotes.

Submissions (3):

Labcorp Genetics (formerly Invitae), Labcorp
Classification: Uncertain significance. Last evaluated: 2026-02-02. Review status: criteria provided, single submitter. Criteria: Invitae Variant Classification Sherloc (09022015). Collection method: clinical testing. Allele origin: germline.
Comment: This sequence change replaces proline, which is neutral and non-polar, with serine, which is neutral and polar, at codon 566 of the LAMC3 protein (p.Pro566Ser). This variant is present in population databases (rs138637827, gnomAD 0.06%). This variant has not been reported in the literature in individuals affected with LAMC3-related conditions. ClinVar contains an entry for this variant (Variation ID: 435735). An algorithm developed to predict the effect of missense changes on protein structure and function outputs the following: PolyPhen-2: "Benign". The serine amino acid residue is found in multiple mammalian species, which suggests that this missense change does not adversely affect protein function. In summary, the available evidence is currently insufficient to determine the role of this variant in disease. Therefore, it has been classified as a Variant of Uncertain Significance.

CeGaT Center for Human Genetics Tuebingen
Classification: Uncertain significance. Last evaluated: 2024-02-01. Review status: criteria provided, single submitter. Criteria: CeGaT Center For Human Genetics Tuebingen Variant Classification Criteria Version 2. Collection method: clinical testing. Allele origin: germline. Affected: yes. Observed: 1 variant allele.
Comment: LAMC3: PM2, BP4

Genetic Services Laboratory, University of Chicago
Classification: Uncertain significance. Last evaluated: 2015-10-28. Review status: criteria provided, single submitter. Criteria: ACMG Guidelines, 2015. Collection method: clinical testing. Allele origin: germline. Affected: no.